The following is an entry in ClinVar:

NM_133459.4(CCBE1):c.944G>A (p.Gly315Asp)

Gene: CCBE1 (collagen and calcium binding EGF domains 1; minus strand). Cytogenetic location: 18q21.32.
Variant type: single nucleotide variant.
Coding change: c.944G>A on transcript NM_133459.4 (MANE Select); coding-DNA position 944, G replaced by A.
Protein change: p.Gly315Asp; replaces glycine 315 with aspartic acid.
Molecular consequence: missense variant.
Genome position (GRCh38, 1-based): chr18:59,439,550, C>T on the plus strand (G>A on the coding strand, the complement: CCBE1 is on the minus strand). VCF-style: chr18-59439550-C-T. GRCh37 (hg19) VCF-style: chr18-57106782-C-T.
Other names: short protein forms G315D.
Identifiers: ClinVar variation 1348084 (VCV001348084.8), dbSNP rs753076643, ClinGen allele CA8980265.
Genomic context (GRCh38, chr18:59,439,550, plus strand): 5'-AAAAATCGAAAGTGAGAGACCTTTAGCTTGTGAGGACCACTCATAAGGCTTACCTTAGAA[C>T]CATCTCTTCCTGGTGCCCCTGGTGGACCCTGTAATACAAAAGGATCTGGTTTAACCACAG-3'
Protein context (NP_597716.1, residues 305-325): VGPPGAPGRD[Gly315Asp]SKGERGAPGP

ClinVar aggregate classification (germline): Uncertain significance (1 of 4 stars; one submission).

Allele frequency attached by ClinVar (database versions not stated): gnomAD exomes below 0.00001; ExAC 0.00001.
gnomAD v4.1: 1 of 1,614,260 alleles (0.000062%); highest among the groups gnomAD compares: South Asian, 0.0011%; no homozygotes.

Submission:

Labcorp Genetics (formerly Invitae), Labcorp
Classification: Uncertain significance. Last evaluated: 2021-04-23. Review status: criteria provided, single submitter. Criteria: Invitae Variant Classification Sherloc (09022015). Collection method: clinical testing. Allele origin: germline.
Comment: In summary, the available evidence is currently insufficient to determine the role of this variant in disease. Therefore, it has been classified as a Variant of Uncertain Significance. Algorithms developed to predict the effect of missense changes on protein structure and function are either unavailable or do not agree on the potential impact of this missense change (SIFT: "Deleterious"; PolyPhen-2: "Probably Damaging"; Align-GVGD: "Class C0"). This variant has not been reported in the literature in individuals with CCBE1-related conditions. This variant is present in population databases (rs753076643, ExAC 0.006%). This sequence change replaces glycine with aspartic acid at codon 315 of the CCBE1 protein (p.Gly315Asp). The glycine residue is highly conserved and there is a moderate physicochemical difference between glycine and aspartic acid.